The following is an entry in ClinVar:

NM_004656.4(BAP1):c.2056+3G>A

Gene: BAP1 (BRCA1 associated deubiquitinase 1; minus strand). Cytogenetic location: 3p21.1.
Variant type: single nucleotide variant.
Coding change: c.2056+3G>A on transcript NM_004656.4 (MANE Select); 3 bases into the intron after coding-DNA position 2056, G replaced by A.
Molecular consequence: intron variant.
Genome position (GRCh38, 1-based): chr3:52,402,599, C>T on the plus strand (G>A on the coding strand, the complement: BAP1 is on the minus strand). VCF-style: chr3-52402599-C-T. GRCh37 (hg19) VCF-style: chr3-52436615-C-T.
Identifiers: ClinVar variation 1381141 (VCV001381141.10), dbSNP rs2153226175, ClinGen allele CA2573137278.

ClinVar aggregate classification (germline): Conflicting classifications of pathogenicity. Review status: criteria provided, conflicting classifications (1 of 4 stars). 3 submissions from 3 submitters: Uncertain significance (1); Likely benign (2). Last evaluated 2025-06-23.

Conditions:
Hereditary cancer-predisposing syndrome. Also called: Tumor predisposition; Neoplastic Syndromes, Hereditary; Hereditary Cancer Syndrome; Hereditary neoplastic syndrome. Identifiers: Orphanet 140162, MedGen C0027672, MeSH D009386, MONDO:0015356.
BAP1-related tumor predisposition syndrome (TPDS1). Also called: BAP1 tumor predisposition syndrome; Tumor susceptibility linked to germline BAP1 mutations; TUMOR PREDISPOSITION SYNDROME 1; COMMON Syndrome. Identifiers: Orphanet 289539, MedGen C3280492, MONDO:0013692, OMIM 614327.

Submissions (3):

Ambry Genetics
Classification: Likely benign for Hereditary cancer-predisposing syndrome. Last evaluated: 2025-06-23. Review status: criteria provided, single submitter. Criteria: Ambry Variant Classification Scheme 2023. Collection method: clinical testing. Allele origin: germline.

Myriad Genetics, Inc.
Classification: Likely benign for BAP1-related tumor predisposition syndrome. Last evaluated: 2024-07-17. Review status: criteria provided, single submitter. Criteria: Myriad Autosomal Dominant, Autosomal Recessive and X-Linked Classification Criteria (2023). Collection method: clinical testing. Allele origin: unknown.
Comment: This variant is considered likely benign. This variant is intronic and is not expected to impact mRNA splicing.

Labcorp Genetics (formerly Invitae), Labcorp
Classification: Uncertain significance for BAP1-related tumor predisposition syndrome. Last evaluated: 2020-12-23. Review status: criteria provided, single submitter. Criteria: Invitae Variant Classification Sherloc (09022015). Collection method: clinical testing. Allele origin: germline.
Comment: This sequence change falls in intron 16 of the BAP1 gene. It does not directly change the encoded amino acid sequence of the BAP1 protein. It affects a nucleotide within the consensus splice site of the intron. In summary, the available evidence is currently insufficient to determine the role of this variant in disease. Therefore, it has been classified as a Variant of Uncertain Significance. Nucleotide substitutions within the consensus splice site are a relatively common cause of aberrant splicing (PMID: 17576681, 9536098). Algorithms developed to predict the effect of sequence changes on RNA splicing suggest that this variant is not likely to affect RNA splicing, but this prediction has not been confirmed by published transcriptional studies. This variant has not been reported in the literature in individuals with BAP1-related conditions. This variant is not present in population databases (ExAC no frequency).

Literature cited by the submitters: PubMed 17576681 (cited by Labcorp Genetics (formerly Invitae), Labcorp); PubMed 9536098 (cited by Labcorp Genetics (formerly Invitae), Labcorp).